The following is an entry in ClinVar:

ClinVar aggregate classification (germline): Uncertain significance (1 of 4 stars; one submission).

Conditions:
Hereditary cancer-predisposing syndrome. Also called: Neoplastic Syndromes, Hereditary; Tumor predisposition; Hereditary neoplastic syndrome; Hereditary Cancer Syndrome. Identifiers: Orphanet 140162, MedGen C0027672, MeSH D009386, MONDO:0015356.

Submission:

Ambry Genetics
Classification: Uncertain significance for Hereditary cancer-predisposing syndrome. Last evaluated: 2024-01-16. Review status: criteria provided, single submitter. Criteria: Ambry Variant Classification Scheme 2023. Collection method: clinical testing. Allele origin: germline.
Comment: The p.N2425Y variant (also known as c.7273A>T), located in coding exon 13 of the BRCA2 gene, results from an A to T substitution at nucleotide position 7273. The asparagine at codon 2425 is replaced by tyrosine, an amino acid with dissimilar properties. This amino acid position is conserved. In addition, the in silico prediction for this alteration is inconclusive. Since supporting evidence is limited at this time, the clinical significance of this alteration remains unclear.

NM_000059.4(BRCA2):c.7273A>T (p.Asn2425Tyr)

Gene: BRCA2 (BRCA2 DNA repair associated; plus strand). Cytogenetic location: 13q13.1.
Variant type: single nucleotide variant.
Coding change: c.7273A>T on transcript NM_000059.4 (MANE Select); coding-DNA position 7273, A replaced by T.
Protein change: p.Asn2425Tyr; replaces asparagine 2425 with tyrosine.
Molecular consequence: missense variant. On other transcripts: non-coding transcript variant (1).
Genome position (GRCh38, 1-based): chr13:32,355,126, A>T. VCF-style: chr13-32355126-A-T. GRCh37 (hg19) VCF-style: chr13-32929263-A-T.
Other names: c.7177A>T, p.Asn2393Tyr (NM_001406719.1); c.7273A>T, p.Asn2425Tyr (NM_001406720.1); c.2341A>T, p.Asn781Tyr (NM_001406721.1); c.856A>T, p.Asn286Tyr (NM_001406722.1); short protein forms N2393Y, N2425Y, N286Y, N781Y.
Identifiers: ClinVar variation 3228319 (VCV003228319.1), dbSNP rs876658292, ClinGen allele CA387740618.